The following is an entry in ClinVar:

ClinVar aggregate classification (germline): Likely benign (1 of 4 stars; one submission).

Submission:

Athena Diagnostics
Classification: Likely benign. Last evaluated: 2025-06-05. Review status: criteria provided, single submitter. Criteria: Athena Diagnostics Criteria. Collection method: clinical testing. Allele origin: unknown.
Comment: Computational tools yielded predictions that this variant is unlikely to have an effect on normal RNA splicing. This nucleotide position exhibits low evolutionary conservation.

NM_006946.4(SPTBN2):c.5475G>C (p.Pro1825=)

Gene: SPTBN2 (spectrin beta, non-erythrocytic 2; minus strand). Cytogenetic location: 11q13.2.
Variant type: single nucleotide variant.
Coding change: c.5475G>C on transcript NM_006946.4 (MANE Select); coding-DNA position 5475, G replaced by C.
Protein change: p.Pro1825=; no amino-acid change (proline 1825 retained).
Molecular consequence: synonymous variant.
Genome position (GRCh38, 1-based): chr11:66,691,374, C>G on the plus strand (G>C on the coding strand, the complement: SPTBN2 is on the minus strand). VCF-style: chr11-66691374-C-G. GRCh37 (hg19) VCF-style: chr11-66458845-C-G.
Other names: c.5496G>C, p.Pro1832= (NM_001411025.1); c.5475G>C, p.Pro1825= (NM_001437541.1).
Identifiers: ClinVar variation 4682404 (VCV004682404.1).